The following is an entry in ClinVar:

NM_001378120.1(MBD5):c.1318A>G (p.Thr440Ala)

Gene: MBD5 (methyl-CpG binding domain protein 5; plus strand). Cytogenetic location: 2q23.1.
Variant type: single nucleotide variant.
Coding change: c.1318A>G on transcript NM_001378120.1 (MANE Select); coding-DNA position 1318, A replaced by G.
Protein change: p.Thr440Ala; replaces threonine 440 with alanine.
Molecular consequence: missense variant.
Genome position (GRCh38, 1-based): chr2:148,469,261, A>G. VCF-style: chr2-148469261-A-G. GRCh37 (hg19) VCF-style: chr2-149226830-A-G.
Other names: c.1318A>G, p.Thr440Ala (NM_018328.5); short protein forms T440A.
Identifiers: ClinVar variation 2978967 (VCV002978967.3), dbSNP rs758638900, ClinGen allele CA1899996.

ClinVar aggregate classification (germline): Uncertain significance (1 of 4 stars; one submission).

Conditions:
Intellectual developmental disorder, autosomal dominant 1. Also called: MBD5 Haploinsufficiency; Intellectual disability, autosomal dominant 1. Identifiers: Orphanet 228402, MedGen C1969562, MONDO:0007974, OMIM 156200.

Allele frequency attached by ClinVar (database versions not stated): gnomAD exomes below 0.00001; ExAC 0.00001; gnomAD 0.00001; TOPMed 0.00001.
gnomAD v4.1: 2 of 1,613,860 alleles (0.00012%); highest among the groups gnomAD compares: Admixed American, 0.0033%; no homozygotes.

Submission:

Labcorp Genetics (formerly Invitae), Labcorp
Classification: Uncertain significance for Intellectual developmental disorder, autosomal dominant 1. Last evaluated: 2023-11-27. Review status: criteria provided, single submitter. Criteria: Invitae Variant Classification Sherloc (09022015). Collection method: clinical testing. Allele origin: germline.
Comment: This sequence change replaces threonine, which is neutral and polar, with alanine, which is neutral and non-polar, at codon 440 of the MBD5 protein (p.Thr440Ala). This variant is present in population databases (rs758638900, gnomAD 0.003%). This variant has not been reported in the literature in individuals affected with MBD5-related conditions. Advanced modeling of protein sequence and biophysical properties (such as structural, functional, and spatial information, amino acid conservation, physicochemical variation, residue mobility, and thermodynamic stability) performed at Invitae indicates that this missense variant is not expected to disrupt MBD5 protein function with a negative predictive value of 80%. In summary, the available evidence is currently insufficient to determine the role of this variant in disease. Therefore, it has been classified as a Variant of Uncertain Significance.